The following is an entry in ClinVar:

NM_002979.5(SCP2):c.40G>C (p.Val14Leu)

Gene: SCP2 (sterol carrier protein 2; plus strand). Cytogenetic location: 1p32.3.
Variant type: single nucleotide variant.
Coding change: c.40G>C on transcript NM_002979.5 (MANE Select); coding-DNA position 40, G replaced by C.
Protein change: p.Val14Leu; replaces valine 14 with leucine.
Molecular consequence: missense variant. On other transcripts: 5 prime UTR variant (1).
Genome position (GRCh38, 1-based): chr1:52,927,436, G>C. VCF-style: chr1-52927436-G-C. GRCh37 (hg19) VCF-style: chr1-53393108-G-C.
Other names: c.40G>C, p.Val14Leu (NM_001007098.3, NM_001193599.2, NM_001193600.2 and 1 more transcripts); c.-146G>C (NM_001193617.2); short protein forms V14L.
Identifiers: ClinVar variation 2060975 (VCV002060975.4), dbSNP rs573557498, ClinGen allele CA22581855.

ClinVar aggregate classification (germline): Uncertain significance. Review status: criteria provided, multiple submitters, no conflicts (2 of 4 stars). 2 submissions from 2 submitters: Uncertain significance (2). Last evaluated 2022-11-08.

Allele frequency attached by ClinVar (database versions not stated): TOPMed 0.00001.
gnomAD v4.1: 4 of 1,602,624 alleles (0.00025%); highest among the groups gnomAD compares: African/African-American, 0.0027%; no homozygotes.

Submissions (2):

Ambry Genetics
Classification: Uncertain significance. Last evaluated: 2022-11-08. Review status: criteria provided, single submitter. Criteria: Ambry Variant Classification Scheme 2023. Collection method: clinical testing. Allele origin: germline.

Labcorp Genetics (formerly Invitae), Labcorp
Classification: Uncertain significance. Last evaluated: 2022-10-14. Review status: criteria provided, single submitter. Criteria: Invitae Variant Classification Sherloc (09022015). Collection method: clinical testing. Allele origin: germline.
Comment: This sequence change replaces valine, which is neutral and non-polar, with leucine, which is neutral and non-polar, at codon 14 of the SCP2 protein (p.Val14Leu). In summary, the available evidence is currently insufficient to determine the role of this variant in disease. Therefore, it has been classified as a Variant of Uncertain Significance. Algorithms developed to predict the effect of missense changes on protein structure and function are either unavailable or do not agree on the potential impact of this missense change (SIFT: "Deleterious"; PolyPhen-2: "Benign"; Align-GVGD: "Class C0"). This variant has not been reported in the literature in individuals affected with SCP2-related conditions. This variant is present in population databases (no rsID available, gnomAD 0.008%).